The following is an entry in ClinVar:

ClinVar aggregate classification (germline): Pathogenic. Review status: reviewed by expert panel (3 of 4 stars). 2 submissions from 2 submitters: Pathogenic (1). 1 of the submissions does not count toward it. Last evaluated 2016-10-18.

Conditions:
Breast-ovarian cancer, familial, susceptibility to, 2 (BROVCA2). Also called: BRCA2 Hereditary Breast and Ovarian Cancer. Identifiers: Orphanet 145, MedGen C2675520, MONDO:0012933, OMIM 612555. Disease mechanism: loss of function.

Submissions (2):

Evidence-based Network for the Interpretation of Germline Mutant Alleles (ENIGMA)
Classification: Pathogenic for Breast-ovarian cancer, familial, susceptibility to, 2. Last evaluated: 2016-10-18. Review status: reviewed by expert panel. Criteria: ENIGMA BRCA1/2 Classification Criteria (2015). Collection method: curation. Allele origin: germline.
Comment: Variant allele predicted to encode a truncated non-functional protein.

Consortium of Investigators of Modifiers of BRCA1/2 (CIMBA), c/o University of Cambridge
Classification: Pathogenic for Breast-ovarian cancer, familial, susceptibility to, 2. Last evaluated: 2015-10-02. Review status: criteria provided, single submitter. Criteria: CIMBA Mutation Classification guidelines May 2016. Collection method: clinical testing. Allele origin: germline. Not counted in ClinVar's aggregate classification.

NM_000059.4(BRCA2):c.6722_6723dup (p.Asp2242fs)

Gene: BRCA2 (BRCA2 DNA repair associated; plus strand). Cytogenetic location: 13q13.1.
Variant type: Duplication.
Coding change: c.6722_6723dup on transcript NM_000059.4 (MANE Select); coding-DNA positions 6722 to 6723, 2 bases duplicated (CA; older notation c.6722_6723dupCA).
Protein change: p.Asp2242fs; shifts the reading frame from aspartic acid 2242.
Molecular consequence: frameshift variant.
Genome position (GRCh38, 1-based): chr13:32,341,077-32,341,078, CA duplicated; duplicating any 2 consecutive bases within chr13:32,341,076-32,341,078 gives the same sequence; the c. name uses the placement nearest the transcript's 3' end. VCF-style (leftmost placement, unchanged base first): chr13-32341075-G-GAC. GRCh37 (hg19) VCF-style: chr13-32915212-G-GAC.
Other names: 6951insCA; short protein forms D2242fs.
Identifiers: ClinVar variation 266972 (VCV000266972.7), dbSNP rs1555284825, ClinGen allele CA10589400.